The following is an entry in ClinVar:

ClinVar aggregate classification (germline): Uncertain significance (1 of 4 stars; one submission).

Conditions:
Hereditary cancer-predisposing syndrome. Also called: Tumor predisposition; Neoplastic Syndromes, Hereditary; Hereditary neoplastic syndrome; Hereditary Cancer Syndrome. Identifiers: Orphanet 140162, MedGen C0027672, MeSH D009386, MONDO:0015356.

Submission:

Ambry Genetics
Classification: Uncertain significance for Hereditary cancer-predisposing syndrome. Last evaluated: 2025-07-05. Review status: criteria provided, single submitter. Criteria: Ambry Variant Classification Scheme 2023. Collection method: clinical testing. Allele origin: germline.
Comment: The p.I289T variant (also known as c.866T>C), located in coding exon 8 of the MRE11A gene, results from a T to C substitution at nucleotide position 866. The isoleucine at codon 289 is replaced by threonine, an amino acid with similar properties. This amino acid position is conserved. In addition, the in silico prediction for this alteration is inconclusive. Based on the available evidence, the clinical significance of this variant remains unclear.

NM_005591.4(MRE11):c.866T>C (p.Ile289Thr)

Gene: MRE11 (MRE11 double strand break repair nuclease; minus strand). Cytogenetic location: 11q21.
Variant type: single nucleotide variant.
Coding change: c.866T>C on transcript NM_005591.4 (MANE Select); coding-DNA position 866, T replaced by C.
Protein change: p.Ile289Thr; replaces isoleucine 289 with threonine.
Molecular consequence: missense variant.
Genome position (GRCh38, 1-based): chr11:94,470,622, A>G on the plus strand (T>C on the coding strand, the complement: MRE11 is on the minus strand). VCF-style: chr11-94470622-A-G. GRCh37 (hg19) VCF-style: chr11-94203788-A-G.
Other names: c.791T>C, p.Ile264Thr (NM_001440471.1, NM_001440472.1, NM_001440479.1); c.866T>C, p.Ile289Thr (NM_001440473.1, NM_001440474.1, NM_001440475.1 and 18 more transcripts); c.521T>C, p.Ile174Thr (NM_001440482.1, NM_001440483.1, NM_001440484.1); c.398T>C, p.Ile133Thr (NM_001440485.1, NM_001440486.1, NM_001440487.1); short protein forms I133T, I174T, I264T, I289T.
Identifiers: ClinVar variation 4110078 (VCV004110078.1).